The following is an entry in ClinVar:

NM_182760.4(SUMF1):c.387T>A (p.Tyr129Ter)

Gene: SUMF1 (sulfatase modifying factor 1; minus strand). Cytogenetic location: 3p26.1.
Variant type: single nucleotide variant.
Coding change: c.387T>A on transcript NM_182760.4 (MANE Select); coding-DNA position 387, T replaced by A.
Protein change: p.Tyr129Ter; replaces tyrosine 129 with a stop codon.
Molecular consequence: nonsense.
Genome position (GRCh38, 1-based): chr3:4,452,933, A>T on the plus strand (T>A on the coding strand, the complement: SUMF1 is on the minus strand). VCF-style: chr3-4452933-A-T. GRCh37 (hg19) VCF-style: chr3-4494617-A-T.
Other names: c.387T>A, p.Tyr129Ter (NM_001164674.2, NM_001164675.2); short protein forms Y129*.
Identifiers: ClinVar variation 3639244 (VCV003639244.2).

ClinVar aggregate classification (germline): Pathogenic (1 of 4 stars; one submission).

Conditions:
Multiple sulfatase deficiency (MSD). Also called: Sulfatidosis, Juvenile, Austin Type; Mucosulfatidosis; Multiple Sulfatase Deficiency Disease. Identifiers: Orphanet 585, MedGen C0268263, MONDO:0010088, OMIM 272200.

gnomAD v4.1: 1 of 1,614,220 alleles (0.000062%); highest among the groups gnomAD compares: Admixed American, 0.0017%; no homozygotes.

Submission:

Labcorp Genetics (formerly Invitae), Labcorp
Classification: Pathogenic for Multiple sulfatase deficiency. Last evaluated: 2024-02-06. Review status: criteria provided, single submitter. Criteria: Invitae Variant Classification Sherloc (09022015). Collection method: clinical testing. Allele origin: germline.
Comment: This sequence change creates a premature translational stop signal (p.Tyr129*) in the SUMF1 gene. It is expected to result in an absent or disrupted protein product. Loss-of-function variants in SUMF1 are known to be pathogenic (PMID: 12757705, 12757706, 25885655). This variant is present in population databases (no rsID available, gnomAD 0.003%). This variant has not been reported in the literature in individuals affected with SUMF1-related conditions. For these reasons, this variant has been classified as Pathogenic.

Literature cited by the submitters: PubMed 12757705; PubMed 12757706; PubMed 25885655.